The following is an entry in ClinVar:

NM_000069.3(CACNA1S):c.694+3G>C

Gene: CACNA1S (calcium voltage-gated channel subunit alpha1 S; minus strand). Cytogenetic location: 1q32.1.
Variant type: single nucleotide variant.
Coding change: c.694+3G>C on transcript NM_000069.3 (MANE Select); 3 bases into the intron after coding-DNA position 694, G replaced by C.
Molecular consequence: intron variant.
Genome position (GRCh38, 1-based): chr1:201,091,637, C>G on the plus strand (G>C on the coding strand, the complement: CACNA1S is on the minus strand). VCF-style: chr1-201091637-C-G. GRCh37 (hg19) VCF-style: chr1-201060765-C-G.
Identifiers: ClinVar variation 4786482 (VCV004786482.1).

ClinVar aggregate classification (germline): Uncertain significance (1 of 4 stars; one submission).

Conditions:
Malignant hyperthermia, susceptibility to, 5 (MHS5). Also called: CACNA1S-Related Malignant Hyperthermia Susceptibility. Identifiers: Orphanet 423, MedGen C1866077, MONDO:0011163, OMIM 601887.
Hypokalemic periodic paralysis, type 1. Also called: HypoPP; Hypokalemic Periodic Paralysis Type 1 (AD). Identifiers: Orphanet 681, MedGen C3714580, MONDO:0042979, OMIM 170400.

Submission:

Labcorp Genetics (formerly Invitae), Labcorp
Classification: Uncertain significance for Hypokalemic periodic paralysis, type 1; Malignant hyperthermia, susceptibility to, 5. Last evaluated: 2025-10-21. Review status: criteria provided, single submitter. Criteria: Invitae Variant Classification Sherloc (09022015). Collection method: clinical testing. Allele origin: germline.
Comment: This sequence change falls in intron 5 of the CACNA1S gene. It does not directly change the encoded amino acid sequence of the CACNA1S protein. It affects a nucleotide within the consensus splice site. This variant is not present in population databases (gnomAD no frequency). This variant has not been reported in the literature in individuals affected with CACNA1S-related conditions. Variants that disrupt the consensus splice site are a relatively common cause of aberrant splicing (PMID: 17576681, 9536098). Algorithms developed to predict the effect of sequence changes on RNA splicing suggest that this variant is not likely to affect RNA splicing. In summary, the available evidence is currently insufficient to determine the role of this variant in disease. Therefore, it has been classified as a Variant of Uncertain Significance.

Literature cited by the submitters: PubMed 17576681; PubMed 9536098.